The following is an entry in ClinVar:

ClinVar aggregate classification (germline): Uncertain significance (1 of 4 stars; one submission).

Submission:

GeneDx
Classification: Uncertain significance. Last evaluated: 2020-10-20. Review status: criteria provided, single submitter. Criteria: GeneDx Variant Classification Process June 2021. Collection method: clinical testing. Allele origin: germline. Affected: yes.
Comment: Frameshift variant predicted to result in protein truncation or nonsense mediated decay in a gene for which loss-of-function is not a known mechanism of disease; Has not been previously published as pathogenic or benign to our knowledge; Variants in candidate genes are classified as variants of uncertain significance in accordance with ACMG guidelines (Richards et al., 2015)

NM_024011.4(CDK11A):c.1329_1332del (p.Lys444fs)

Gene: CDK11A (cyclin dependent kinase 11A; minus strand). Cytogenetic location: 1p36.33.
Variant type: Deletion.
Coding change: c.1329_1332del on transcript NM_024011.4 (MANE Select); coding-DNA positions 1329 to 1332, 4 bases deleted (GAAA; older notation c.1329_1332delGAAA).
Protein change: p.Lys444fs; shifts the reading frame from lysine 444.
Molecular consequence: frameshift variant. On other transcripts: non-coding transcript variant (2).
Genome position (GRCh38, 1-based): chr1:1,705,646-1,705,649, TTTC deleted on the plus strand (GAAA on the coding strand, the reverse complement: CDK11A is on the minus strand); deleting any 4 consecutive bases within chr1:1,705,646-1,705,651 gives the same sequence; the c. name uses the placement nearest the transcript's 3' end. VCF-style (leftmost placement, unchanged base first): chr1-1705645-TTTTC-T. GRCh37 (hg19) VCF-style: chr1-1637084-TTTTC-T.
Other names: c.1329_1332delGAAA (NM_024011.2); c.1338_1341del, p.Lys447fs (NM_001313896.2); c.1326_1329del, p.Lys443fs (NM_001313982.2); c.1299_1302del, p.Lys434fs (NM_033529.4); short protein forms K434fs, K443fs, K444fs, K447fs.
Identifiers: ClinVar variation 421783 (VCV000421783.3), dbSNP rs754605532, ClinGen allele CA530361.